The following is an entry in ClinVar:

ClinVar aggregate classification (germline): Uncertain significance (1 of 4 stars; one submission).

gnomAD v4.1: 9 of 1,550,308 alleles (0.00058%); highest among the groups gnomAD compares: Non-Finnish European, 0.00078%; no homozygotes.

Submission:

GeneDx
Classification: Uncertain significance. Last evaluated: 2026-02-05. Review status: criteria provided, single submitter. Criteria: GeneDx Variant Classification Process June 2021. Collection method: clinical testing. Allele origin: germline.
Comment: Not observed at significant frequency in large population cohorts (gnomAD); In silico analysis suggests that this missense variant does not alter protein structure/function; Has not been previously published as pathogenic or benign to our knowledge

NM_001353345.2(SETD1B):c.1093G>C (p.Gly365Arg)

Gene: SETD1B (SET domain containing 1B, histone lysine methyltransferase; plus strand). Cytogenetic location: 12q24.31.
Variant type: single nucleotide variant.
Coding change: c.1093G>C on transcript NM_001353345.2 (MANE Select); coding-DNA position 1093, G replaced by C.
Protein change: p.Gly365Arg; replaces glycine 365 with arginine.
Molecular consequence: missense variant.
Genome position (GRCh38, 1-based): chr12:121,810,038, G>C. VCF-style: chr12-121810038-G-C. GRCh37 (hg19) VCF-style: chr12-122247944-G-C.
Other names: short protein forms G365R.
Identifiers: ClinVar variation 4976331 (VCV004976331.1).